The following is an entry in ClinVar:

NM_020632.3(ATP6V0A4):c.616G>C (p.Ala206Pro)

Gene: ATP6V0A4 (ATPase H+ transporting V0 subunit a4; minus strand). Cytogenetic location: 7q34.
Variant type: single nucleotide variant.
Coding change: c.616G>C on transcript NM_020632.3 (MANE Select); coding-DNA position 616, G replaced by C.
Protein change: p.Ala206Pro; replaces alanine 206 with proline.
Molecular consequence: missense variant.
Genome position (GRCh38, 1-based): chr7:138,759,775, C>G on the plus strand (G>C on the coding strand, the complement: ATP6V0A4 is on the minus strand). VCF-style: chr7-138759775-C-G. GRCh37 (hg19) VCF-style: chr7-138444520-C-G.
Other names: c.616G>C, p.Ala206Pro (NM_130840.3, NM_130841.3); short protein forms A206P.
Identifiers: ClinVar variation 2183502 (VCV002183502.4), dbSNP rs769738882, ClinGen allele CA4505074.

ClinVar aggregate classification (germline): Uncertain significance (1 of 4 stars; one submission).

Allele frequency attached by ClinVar (database versions not stated): ExAC 0.00002.

Submission:

Labcorp Genetics (formerly Invitae), Labcorp
Classification: Uncertain significance. Last evaluated: 2022-08-07. Review status: criteria provided, single submitter. Criteria: Invitae Variant Classification Sherloc (09022015). Collection method: clinical testing. Allele origin: germline.
Comment: In summary, the available evidence is currently insufficient to determine the role of this variant in disease. Therefore, it has been classified as a Variant of Uncertain Significance. Algorithms developed to predict the effect of missense changes on protein structure and function are either unavailable or do not agree on the potential impact of this missense change (SIFT: "Tolerated"; PolyPhen-2: "Possibly Damaging"; Align-GVGD: "Class C0"). This variant has not been reported in the literature in individuals affected with ATP6V0A4-related conditions. This variant is present in population databases (rs769738882, gnomAD 0.01%). This sequence change replaces alanine, which is neutral and non-polar, with proline, which is neutral and non-polar, at codon 206 of the ATP6V0A4 protein (p.Ala206Pro).